The following is an entry in ClinVar:

ClinVar aggregate classification (germline): Uncertain significance (1 of 4 stars; one submission).

Conditions:
Inborn genetic diseases. Identifiers: MedGen C0950123, MeSH D030342.

Submission:

Ambry Genetics
Classification: Uncertain significance for Inborn genetic diseases. Last evaluated: 2026-05-14. Review status: criteria provided, single submitter. Criteria: Ambry Variant Classification Scheme 2023. Collection method: clinical testing. Allele origin: germline.
Comment: The p.T848S variant (also known as c.2542A>T), located in coding exon 14 of the FANCM gene, results from an A to T substitution at nucleotide position 2542. The threonine at codon 848 is replaced by serine, an amino acid with similar properties. This amino acid position is conserved. In addition, this alteration is predicted to be tolerated by in silico analysis. Based on the available evidence, the clinical significance of this variant remains unclear.

NM_020937.4(FANCM):c.2542A>T (p.Thr848Ser)

Gene: FANCM (FA complementation group M; plus strand). Cytogenetic location: 14q21.2.
Variant type: single nucleotide variant.
Coding change: c.2542A>T on transcript NM_020937.4 (MANE Select); coding-DNA position 2542, A replaced by T.
Protein change: p.Thr848Ser; replaces threonine 848 with serine.
Molecular consequence: missense variant.
Genome position (GRCh38, 1-based): chr14:45,175,296, A>T. VCF-style: chr14-45175296-A-T. GRCh37 (hg19) VCF-style: chr14-45644499-A-T.
Other names: c.2464A>T, p.Thr822Ser (NM_001308133.2); short protein forms T822S, T848S.
Identifiers: ClinVar variation 4871137 (VCV004871137.1).